The following is an entry in ClinVar:

NM_003590.5(CUL3):c.2089G>A (p.Asp697Asn)

Gene: CUL3 (cullin 3; minus strand). Cytogenetic location: 2q36.2.
Variant type: single nucleotide variant.
Coding change: c.2089G>A on transcript NM_003590.5 (MANE Select); coding-DNA position 2089, G replaced by A.
Protein change: p.Asp697Asn; replaces aspartic acid 697 with asparagine.
Molecular consequence: missense variant.
Genome position (GRCh38, 1-based): chr2:224,478,286, C>T on the plus strand (G>A on the coding strand, the complement: CUL3 is on the minus strand). VCF-style: chr2-224478286-C-T. GRCh37 (hg19) VCF-style: chr2-225343003-C-T.
Other names: c.1891G>A, p.Asp631Asn (NM_001257197.2); c.2107G>A, p.Asp703Asn (NM_001257198.2); short protein forms D631N, D703N, D697N.
Identifiers: ClinVar variation 3656223 (VCV003656223.2).

ClinVar aggregate classification (germline): Uncertain significance (1 of 4 stars; one submission).

gnomAD v4.1: 1 of 1,613,736 alleles (0.000062%); highest among the groups gnomAD compares: Non-Finnish European, 0.000085%; no homozygotes.

Submission:

Labcorp Genetics (formerly Invitae), Labcorp
Classification: Uncertain significance. Last evaluated: 2024-06-11. Review status: criteria provided, single submitter. Criteria: Invitae Variant Classification Sherloc (09022015). Collection method: clinical testing. Allele origin: germline.
Comment: This sequence change replaces aspartic acid, which is acidic and polar, with asparagine, which is neutral and polar, at codon 697 of the CUL3 protein (p.Asp697Asn). This variant is not present in population databases (gnomAD no frequency). This variant has not been reported in the literature in individuals affected with CUL3-related conditions. Advanced modeling of protein sequence and biophysical properties (such as structural, functional, and spatial information, amino acid conservation, physicochemical variation, residue mobility, and thermodynamic stability) performed at Invitae indicates that this missense variant is not expected to disrupt CUL3 protein function with a negative predictive value of 80%. In summary, the available evidence is currently insufficient to determine the role of this variant in disease. Therefore, it has been classified as a Variant of Uncertain Significance.